The following is an entry in ClinVar:

ClinVar aggregate classification (germline): Uncertain significance (1 of 4 stars; one submission).

gnomAD v4.1: 7 of 1,610,842 alleles (0.00043%); highest among the groups gnomAD compares: African/African-American, 0.0013%; no homozygotes.

Submission:

Labcorp Genetics (formerly Invitae), Labcorp
Classification: Uncertain significance. Last evaluated: 2025-06-15. Review status: criteria provided, single submitter. Criteria: Invitae Variant Classification Sherloc (09022015). Collection method: clinical testing. Allele origin: germline.
Comment: This sequence change replaces aspartic acid, which is acidic and polar, with alanine, which is neutral and non-polar, at codon 365 of the IL6ST protein (p.Asp365Ala). This variant is present in population databases (rs768985381, gnomAD 0.002%). This variant has not been reported in the literature in individuals affected with IL6ST-related conditions. ClinVar contains an entry for this variant (Variation ID: 2906760). An algorithm developed to predict the effect of missense changes on protein structure and function (PolyPhen-2) suggests that this variant is likely to be tolerated. In summary, the available evidence is currently insufficient to determine the role of this variant in disease. Therefore, it has been classified as a Variant of Uncertain Significance.

NM_002184.4(IL6ST):c.1094A>C (p.Asp365Ala)

Gene: IL6ST (interleukin 6 cytokine family signal transducer; minus strand). Cytogenetic location: 5q11.2.
Variant type: single nucleotide variant.
Coding change: c.1094A>C on transcript NM_002184.4 (MANE Select); coding-DNA position 1094, A replaced by C.
Protein change: p.Asp365Ala; replaces aspartic acid 365 with alanine.
Molecular consequence: missense variant. On other transcripts: 3 prime UTR variant (1), non-coding transcript variant (2).
Genome position (GRCh38, 1-based): chr5:55,956,198, T>G on the plus strand (A>C on the coding strand, the complement: IL6ST is on the minus strand). VCF-style: chr5-55956198-T-G. GRCh37 (hg19) VCF-style: chr5-55252026-T-G.
Other names: c.1094A>C, p.Asp365Ala (NM_001190981.2, NM_001364275.2); c.884A>C, p.Asp295Ala (NM_001364276.2); c.227A>C, p.Asp76Ala (NM_001364277.2); c.191A>C, p.Asp64Ala (NM_001364278.2); c.98A>C, p.Asp33Ala (NM_001364279.2); c.*21A>C (NM_175767.3); short protein forms D295A, D76A, D365A, D33A, D64A.
Identifiers: ClinVar variation 2906760 (VCV002906760.3), dbSNP rs768985381, ClinGen allele CA3271497.